The following is an entry in ClinVar:

NM_000264.5(PTCH1):c.168dup (p.Asp57fs)

Gene: PTCH1 (patched 1; minus strand). Cytogenetic location: 9q22.32.
Variant type: Duplication.
Coding change: c.168dup on transcript NM_000264.5 (MANE Select); coding-DNA position 168, one base duplicated (C; older notation c.168dupC).
Protein change: p.Asp57fs; shifts the reading frame from aspartic acid 57.
Molecular consequence: frameshift variant. On other transcripts: non-coding transcript variant (1), intron variant (3).
Genome position (GRCh38, 1-based): chr9:95,508,194, G duplicated on the plus strand (C on the coding strand, the reverse complement: PTCH1 is on the minus strand). VCF-style (leftmost placement, unchanged base first): chr9-95508193-C-CG. GRCh37 (hg19) VCF-style: chr9-98270475-C-CG.
Other names: c.168dup, p.Asp57fs (NM_001354918.2); c.199-1595dup (NM_001083603.3); c.4-1595dup (NM_001083602.3, NM_001354919.2); short protein forms D57fs.
Identifiers: ClinVar variation 2584457 (VCV002584457.1), dbSNP rs2538402944, ClinGen allele CA2582342001.

ClinVar aggregate classification (germline): Likely pathogenic (1 of 4 stars; one submission).

Conditions:
PTCH1-related disorder. Also called: PTCH1-related disorders; PTCH1-related condition.

Submission:

Rady Children's Institute for Genomic Medicine, Rady Children's Hospital San Diego
Classification: Likely pathogenic for PTCH1-related disorder. Review status: criteria provided, single submitter. Criteria: ACMG Guidelines, 2015. Collection method: clinical testing. Allele origin: germline. Affected: yes.
Comment: This frameshifting variant in exon 1 of 24 is predicted to result in loss of normal protein function through either protein truncation or nonsense-mediated mRNA decay. This variant has not been previously reported or functionally characterized in the literature to our knowledge. The PTCH1 gene is highly constrained against loss of function variation (pLI = 1). The c.168dup (p.Asp57ArgfsTer33) variant is absent from the gnomAD population database and thus is presumed to be rare. Based on the available evidence, c.168dup (p.Asp57ArgfsTer33) is classified as Likely Pathogenic.